The following is an entry in ClinVar:

NM_000368.5(TSC1):c.2733A>T (p.Glu911Asp)

Gene: TSC1 (TSC complex subunit 1; minus strand). Cytogenetic location: 9q34.13.
Variant type: single nucleotide variant.
Coding change: c.2733A>T on transcript NM_000368.5 (MANE Select); coding-DNA position 2733, A replaced by T.
Protein change: p.Glu911Asp; replaces glutamic acid 911 with aspartic acid.
Molecular consequence: missense variant. On other transcripts: non-coding transcript variant (5).
Genome position (GRCh38, 1-based): chr9:132,897,503, T>A on the plus strand (A>T on the coding strand, the complement: TSC1 is on the minus strand). VCF-style: chr9-132897503-T-A. GRCh37 (hg19) VCF-style: chr9-135772890-T-A.
Other names: c.2715A>T, p.Glu905Asp (NM_001406604.1, NM_001406603.1); c.2691A>T, p.Glu897Asp (NM_001406605.1, NM_001406606.1, NM_001406607.1); c.2688A>T, p.Glu896Asp (NM_001406608.1, NM_001406609.1); c.2580A>T, p.Glu860Asp (NM_001406610.1, NM_001162427.2); c.2577A>T, p.Glu859Asp (NM_001406611.1, NM_001406612.1); c.2535A>T, p.Glu845Asp (NM_001406613.1); c.2370A>T, p.Glu790Asp (NM_001406614.1, NM_001406615.1, NM_001406616.1 and 4 more transcripts); c.2367A>T, p.Glu789Asp (NM_001406620.1, NM_001406621.1, NM_001406622.1 and 1 more transcripts); and 8 more; short protein forms E560D, E593D, E594D, E775D, E776D, E789D, E790D, E845D.
Identifiers: ClinVar variation 3231305 (VCV003231305.1), dbSNP rs2131634173, ClinGen allele CA375369304.
Genomic context (GRCh38, chr9:132,897,503, plus strand): 5'-CTCTAGATATTTCTTCTGTTCCAAAAGAAGGTGGTCTTTCTTGGCCAGGTGAGATTCCAG[T>A]TCCAAAATCCGTTTTTGGGAGGTATCAAGCCTCTGAGTCTGCTGGAGAACATGGCTTCTG-3'
Protein context (NP_000359.1, residues 901-921): RLDTSQKRIL[Glu911Asp]LESHLAKKDH

ClinVar aggregate classification (germline): Uncertain significance (1 of 4 stars; one submission).

Conditions:
Hereditary cancer-predisposing syndrome. Also called: Neoplastic Syndromes, Hereditary; Tumor predisposition; Hereditary neoplastic syndrome; Hereditary Cancer Syndrome. Identifiers: Orphanet 140162, MedGen C0027672, MeSH D009386, MONDO:0015356.

Submission:

Ambry Genetics
Classification: Uncertain significance for Hereditary cancer-predisposing syndrome. Last evaluated: 2023-12-07. Review status: criteria provided, single submitter. Criteria: Ambry Variant Classification Scheme 2023. Collection method: clinical testing. Allele origin: germline.
Comment: The p.E911D variant (also known as c.2733A>T), located in coding exon 19 of the TSC1 gene, results from an A to T substitution at nucleotide position 2733. The glutamic acid at codon 911 is replaced by aspartic acid, an amino acid with highly similar properties. This amino acid position is conserved. In addition, the in silico prediction for this alteration is inconclusive. Since supporting evidence is limited at this time, the clinical significance of this alteration remains unclear.